The following is an entry in ClinVar:

ClinVar aggregate classification (germline): Likely pathogenic (1 of 4 stars; one submission).

Conditions:
GNPTAB-mucolipidosis. Also called: UDP-N-acetylglucosamine-1-phosphotransferase subunit alpha/beta deficiency. Identifiers: MedGen CN322573, MONDO:0100122.

Submission:

Myriad Genetics, Inc.
Classification: Likely pathogenic for GNPTAB-mucolipidosis. Last evaluated: 2025-10-07. Review status: criteria provided, single submitter. Criteria: Myriad Autosomal Dominant, Autosomal Recessive and X-Linked Classification Criteria (2023). Collection method: clinical testing. Allele origin: unknown.
Comment: NM_024312.4(GNPTAB):c.3250-2A>T is a variant in a canonical splice site classified as likely pathogenic in the context of GNPTAB-related disorders. c.3250-2A>T has not been observed in cases with relevant disease. Relevant functional assessments of this variant are not available in the literature. c.3250-2A>T has not been observed in referenced population frequency databases. In summary, NM_024312.4(GNPTAB):c.3250-2A>T is a variant in a canonical splice site in a gene where loss of function is a known mechanism of disease and is predicted to disrupt protein function. Please note: this variant was assessed in the context of healthy population screening.

NM_024312.5(GNPTAB):c.3250-2A>T

Gene: GNPTAB (N-acetylglucosamine-1-phosphate transferase subunits alpha and beta; minus strand). Cytogenetic location: 12q23.2.
Variant type: single nucleotide variant.
Coding change: c.3250-2A>T on transcript NM_024312.5 (MANE Select); the canonical splice acceptor site of the intron before coding-DNA position 3250, A replaced by T.
Molecular consequence: splice acceptor variant.
Genome position (GRCh38, 1-based): chr12:101,757,659, T>A on the plus strand (A>T on the coding strand, the complement: GNPTAB is on the minus strand). VCF-style: chr12-101757659-T-A. GRCh37 (hg19) VCF-style: chr12-102151437-T-A.
Identifiers: ClinVar variation 5004208 (VCV005004208.1).